The following is an entry in ClinVar:

NM_001429.4(EP300):c.7088A>G (p.His2363Arg)

Gene: EP300 (EP300 lysine acetyltransferase; plus strand). Cytogenetic location: 22q13.2.
Variant type: single nucleotide variant.
Coding change: c.7088A>G on transcript NM_001429.4 (MANE Select); coding-DNA position 7088, A replaced by G.
Protein change: p.His2363Arg; replaces histidine 2363 with arginine.
Molecular consequence: missense variant.
Genome position (GRCh38, 1-based): chr22:41,178,799, A>G. VCF-style: chr22-41178799-A-G. GRCh37 (hg19) VCF-style: chr22-41574803-A-G.
Other names: c.7010A>G, p.His2337Arg (NM_001362843.2); short protein forms H2337R, H2363R.
Identifiers: ClinVar variation 4056891 (VCV004056891.1).

ClinVar aggregate classification (germline): Uncertain significance (1 of 4 stars; one submission).

Submission:

GeneDx
Classification: Uncertain significance. Last evaluated: 2025-01-06. Review status: criteria provided, single submitter. Criteria: GeneDx Variant Classification Process June 2021. Collection method: clinical testing. Allele origin: germline. Affected: yes.
Comment: Not observed at significant frequency in large population cohorts (gnomAD); In silico analysis supports that this missense variant has a deleterious effect on protein structure/function; Has not been previously published as pathogenic or benign to our knowledge